The following is an entry in ClinVar:

NM_000069.3(CACNA1S):c.2078A>C (p.Lys693Thr)

Gene: CACNA1S (calcium voltage-gated channel subunit alpha1 S; minus strand). Cytogenetic location: 1q32.1.
Variant type: single nucleotide variant.
Coding change: c.2078A>C on transcript NM_000069.3 (MANE Select); coding-DNA position 2078, A replaced by C.
Protein change: p.Lys693Thr; replaces lysine 693 with threonine.
Molecular consequence: missense variant.
Genome position (GRCh38, 1-based): chr1:201,073,628, T>G on the plus strand (A>C on the coding strand, the complement: CACNA1S is on the minus strand). VCF-style: chr1-201073628-T-G. GRCh37 (hg19) VCF-style: chr1-201042756-T-G.
Other names: short protein forms K693T.
Identifiers: ClinVar variation 3386361 (VCV003386361.1).

ClinVar aggregate classification (germline): Uncertain significance (1 of 4 stars; one submission).

Conditions:
Malignant hyperthermia, susceptibility to, 5 (MHS5). Also called: CACNA1S-Related Malignant Hyperthermia Susceptibility. Identifiers: Orphanet 423, MedGen C1866077, MONDO:0011163, OMIM 601887.

Submission:

All of Us Research Program, National Institutes of Health
Classification: Uncertain significance for Malignant hyperthermia, susceptibility to, 5. Last evaluated: 2024-03-05. Review status: criteria provided, single submitter. Criteria: ACMG Guidelines, 2015. Collection method: clinical testing. Allele origin: germline. Inheritance: Autosomal dominant inheritance. Observed: 1 variant allele, 1 heterozygote.
Comment: This study involves interpretation of variants in research participants for the purpose of population health screening. Participant phenotype was not available at the time of variant classification. Additional details can be found in publication PMID: 35346344, PMCID: PMC8962531